The following is an entry in ClinVar:

NM_021738.3(SVIL):c.1538G>A (p.Ser513Asn)

Gene: SVIL (supervillin; minus strand). Cytogenetic location: 10p11.23.
Variant type: single nucleotide variant.
Coding change: c.1538G>A on transcript NM_021738.3 (MANE Select); coding-DNA position 1538, G replaced by A.
Protein change: p.Ser513Asn; replaces serine 513 with asparagine.
Molecular consequence: missense variant. On other transcripts: intron variant (3).
Genome position (GRCh38, 1-based): chr10:29,532,829, C>T on the plus strand (G>A on the coding strand, the complement: SVIL is on the minus strand). VCF-style: chr10-29532829-C-T. GRCh37 (hg19) VCF-style: chr10-29821758-C-T.
Other names: c.828-1541G>A (NM_001323600.1, NM_003174.3); c.909-657G>A (NM_001323599.2); short protein forms S513N.
Identifiers: ClinVar variation 3387914 (VCV003387914.15).

ClinVar aggregate classification (germline): Likely benign. Review status: criteria provided, multiple submitters, no conflicts (2 of 4 stars). 2 submissions from 2 submitters: Likely benign (2). Last evaluated 2026-09-01.

Submissions (2):

CeGaT Center for Human Genetics Tuebingen
Classification: Likely benign. Last evaluated: 2026-09-01. Review status: criteria provided, single submitter. Criteria: CeGaT Center For Human Genetics Tuebingen Variant Classification Criteria Version 2. Collection method: clinical testing. Allele origin: germline. Affected: yes. Observed: 13 variant alleles.
Comment: SVIL: BP4, BS2

Blueprint Genetics
Classification: Likely benign. Last evaluated: 2024-11-22. Review status: criteria provided, single submitter. Criteria: ACMG Guidelines, 2015. Collection method: clinical testing. Allele origin: germline.